The following is an entry in ClinVar:

ClinVar aggregate classification (germline): Pathogenic (3 of 4 stars; one submission).

Conditions:
Breast-ovarian cancer, familial, susceptibility to, 2 (BROVCA2). Also called: BRCA2 Hereditary Breast and Ovarian Cancer. Identifiers: Orphanet 145, MedGen C2675520, MONDO:0012933, OMIM 612555. Disease mechanism: loss of function.

Submission:

Evidence-based Network for the Interpretation of Germline Mutant Alleles (ENIGMA)
Classification: Pathogenic for Breast-ovarian cancer, familial, susceptibility to, 2. Last evaluated: 2016-09-08. Review status: reviewed by expert panel. Criteria: ENIGMA BRCA1/2 Classification Criteria (2015). Collection method: curation. Allele origin: germline.
Comment: Variant allele predicted to encode a truncated non-functional protein.

NM_000059.4(BRCA2):c.9295_9301del (p.Asn3099fs)

Gene: BRCA2 (BRCA2 DNA repair associated; plus strand). Cytogenetic location: 13q13.1.
Variant type: Deletion.
Coding change: c.9295_9301del on transcript NM_000059.4 (MANE Select); coding-DNA positions 9295 to 9301, 7 bases deleted (AATTTAC; older notation c.9295_9301delAATTTAC).
Protein change: p.Asn3099fs; shifts the reading frame from asparagine 3099.
Molecular consequence: frameshift variant.
Genome position (GRCh38, 1-based): chr13:32,394,727-32,394,733, AATTTAC deleted; deleting any 7 consecutive bases within chr13:32,394,723-32,394,733 gives the same sequence; the c. name uses the placement nearest the transcript's 3' end. VCF-style (leftmost placement, unchanged base first): chr13-32394722-GTTACAAT-G. GRCh37 (hg19) VCF-style: chr13-32968859-GTTACAAT-G.
Other names: c.9295_9301delAATTTAC (NM_000059.3); short protein forms N3099fs.
Identifiers: ClinVar variation 254632 (VCV000254632.2), dbSNP rs886038191, ClinGen allele CA10586596.
Genomic context (GRCh38, chr13:32,394,722, plus strand): 5'-CATTCTTTTCTTTTTTTTCCATTCTAGGACTTGCCCCTTTCGTCTATTTGTCAGACGAAT[GTTACAAT>G]TTACTGGCAATAAAGTTTTGGATAGACCTTAATGAGGACATTATTAAGCCTCATATGTTA-3'